The following is an entry in ClinVar:

NM_001371596.2(MFSD8):c.1214A>G (p.Gln405Arg)

Gene: MFSD8 (major facilitator superfamily domain containing 8; minus strand). Cytogenetic location: 4q28.2.
Variant type: single nucleotide variant.
Coding change: c.1214A>G on transcript NM_001371596.2 (MANE Select); coding-DNA position 1214, A replaced by G.
Protein change: p.Gln405Arg; replaces glutamine 405 with arginine.
Molecular consequence: missense variant. On other transcripts: 3 prime UTR variant (1).
Genome position (GRCh38, 1-based): chr4:127,921,660, T>C on the plus strand (A>G on the coding strand, the complement: MFSD8 is on the minus strand). VCF-style: chr4-127921660-T-C. GRCh37 (hg19) VCF-style: chr4-128842815-T-C.
Other names: c.1013A>G, p.Gln338Arg (NM_001363520.3); c.899A>G, p.Gln300Arg (NM_001363521.3); c.1079A>G, p.Gln360Arg (NM_001371590.2); c.1214A>G, p.Gln405Arg (NM_001371591.2, NM_152778.4); c.1220A>G, p.Gln407Arg (NM_001371592.2); c.1100A>G, p.Gln367Arg (NM_001371593.2); c.1067A>G, p.Gln356Arg (NM_001371594.2); c.932A>G, p.Gln311Arg (NM_001371595.1); and 2 more; short protein forms Q255R, Q300R, Q311R, Q338R, Q356R, Q360R, Q367R, Q405R.
Identifiers: ClinVar variation 3907933 (VCV003907933.1).

ClinVar aggregate classification (germline): Uncertain significance (1 of 4 stars; one submission).

gnomAD v4.1: 3 of 1,614,198 alleles (0.00019%); highest among the groups gnomAD compares: Admixed American, 0.005%; no homozygotes.

Submission:

GeneDx
Classification: Uncertain significance. Last evaluated: 2024-12-31. Review status: criteria provided, single submitter. Criteria: GeneDx Variant Classification Process June 2021. Collection method: clinical testing. Allele origin: germline. Affected: yes.
Comment: Not observed at significant frequency in large population cohorts (gnomAD); In silico analysis supports that this missense variant has a deleterious effect on protein structure/function; Has not been previously published as pathogenic or benign to our knowledge